The following is an entry in ClinVar:

NM_018896.5(CACNA1G):c.675C>T (p.Phe225=)

Gene: CACNA1G (calcium voltage-gated channel subunit alpha1 G; plus strand). Cytogenetic location: 17q21.33.
Variant type: single nucleotide variant.
Coding change: c.675C>T on transcript NM_018896.5 (MANE Select); coding-DNA position 675, C replaced by T.
Protein change: p.Phe225=; no amino-acid change (phenylalanine 225 retained).
Molecular consequence: synonymous variant. On other transcripts: non-coding transcript variant (5).
Genome position (GRCh38, 1-based): chr17:50,571,966, C>T. VCF-style: chr17-50571966-C-T. GRCh37 (hg19) VCF-style: chr17-48649327-C-T.
Other names: c.675C>T, p.Phe225= (NM_001256324.2, NM_001256325.2, NM_001256326.2 and 24 more transcripts).
Identifiers: ClinVar variation 742408 (VCV000742408.19), dbSNP rs377069021, ClinGen allele CA8652000.

ClinVar aggregate classification (germline): Benign/Likely benign. Review status: criteria provided, multiple submitters, no conflicts (2 of 4 stars). 5 submissions from 5 submitters: Benign (3); Likely benign (2). Last evaluated 2025-11-05.

Allele frequency attached by ClinVar (database versions not stated): gnomAD exomes 0.00008 and 0.00023; ExAC 0.00021; 1000 Genomes Project 30x 0.00047; ESP Exome Variant Server 0.00047; 1000 Genomes Project 0.00060; gnomAD 0.00074 and 0.00078; TOPMed 0.00097.
gnomAD v4.1: 234 of 1,613,968 alleles (0.014%); highest among the groups gnomAD compares: African/African-American, 0.27%; no homozygotes.

Submissions (5):

Labcorp Genetics (formerly Invitae), Labcorp
Classification: Benign. Last evaluated: 2025-11-05. Review status: criteria provided, single submitter. Criteria: Invitae Variant Classification Sherloc (09022015). Collection method: clinical testing. Allele origin: germline.

CeGaT Center for Human Genetics Tuebingen
Classification: Likely benign. Last evaluated: 2025-08-01. Review status: criteria provided, single submitter. Criteria: CeGaT Center For Human Genetics Tuebingen Variant Classification Criteria Version 2. Collection method: clinical testing. Allele origin: germline. Affected: yes. Observed: 1 variant allele.
Comment: CACNA1G: BP4, BP7

Blueprint Genetics
Classification: Likely benign. Last evaluated: 2024-07-22. Review status: criteria provided, single submitter. Criteria: ACMG Guidelines, 2015. Collection method: clinical testing. Allele origin: germline.

GeneDx
Classification: Benign. Last evaluated: 2021-08-10. Review status: criteria provided, single submitter. Criteria: GeneDx Variant Classification Process June 2021. Collection method: clinical testing. Allele origin: germline. Affected: yes.

Breakthrough Genomics
Classification: Benign. Review status: criteria provided, single submitter. Criteria: ACMG Guidelines, 2015. Collection method: not provided. Allele origin: germline. Inheritance: Autosomal dominant inheritance. Affected: yes.